The following is an entry in ClinVar:

NM_000245.4(MET):c.4058A>T (p.Asn1353Ile)

Gene: MET (MET proto-oncogene, receptor tyrosine kinase; plus strand). Cytogenetic location: 7q31.2.
Variant type: single nucleotide variant.
Coding change: c.4058A>T on transcript NM_000245.4 (MANE Select); coding-DNA position 4058, A replaced by T.
Protein change: p.Asn1353Ile; replaces asparagine 1353 with isoleucine.
Molecular consequence: missense variant.
Genome position (GRCh38, 1-based): chr7:116,796,009, A>T. VCF-style: chr7-116796009-A-T. GRCh37 (hg19) VCF-style: chr7-116436063-A-T.
Other names: c.4112A>T, p.Asn1371Ile (NM_001127500.3); c.2768A>T, p.Asn923Ile (NM_001324402.2); short protein forms N1371I, N1353I, N923I.
Identifiers: ClinVar variation 2699138 (VCV002699138.3), dbSNP rs2117112255, ClinGen allele CA369118308.

ClinVar aggregate classification (germline): Uncertain significance (1 of 4 stars; one submission).

Conditions:
Renal cell carcinoma. Identifiers: Orphanet 217071, MedGen C0007134, MeSH D002292, MONDO:0005086, HP:0005584.

Submission:

Labcorp Genetics (formerly Invitae), Labcorp
Classification: Uncertain significance for Renal cell carcinoma. Last evaluated: 2024-04-30. Review status: criteria provided, single submitter. Criteria: Invitae Variant Classification Sherloc (09022015). Collection method: clinical testing. Allele origin: germline.
Comment: This sequence change replaces asparagine, which is neutral and polar, with isoleucine, which is neutral and non-polar, at codon 1371 of the MET protein (p.Asn1371Ile). This variant is not present in population databases (gnomAD no frequency). This variant has not been reported in the literature in individuals affected with MET-related conditions. Advanced modeling of protein sequence and biophysical properties (such as structural, functional, and spatial information, amino acid conservation, physicochemical variation, residue mobility, and thermodynamic stability) performed at Invitae indicates that this missense variant is expected to disrupt MET protein function with a positive predictive value of 80%. In summary, the available evidence is currently insufficient to determine the role of this variant in disease. Therefore, it has been classified as a Variant of Uncertain Significance.